The following is an entry in ClinVar:

ClinVar aggregate classification (germline): Uncertain significance. Review status: criteria provided, multiple submitters, no conflicts (2 of 4 stars). 2 submissions from 2 submitters: Uncertain significance (2). Last evaluated 2025-08-30.

Conditions:
Inborn genetic diseases. Identifiers: MedGen C0950123, MeSH D030342.

Allele frequency attached by ClinVar (database versions not stated): TOPMed below 0.00001.

Submissions (2):

Ambry Genetics
Classification: Uncertain significance for Inborn genetic diseases. Last evaluated: 2025-08-30. Review status: criteria provided, single submitter. Criteria: Ambry Variant Classification Scheme 2023. Collection method: clinical testing. Allele origin: germline.

Labcorp Genetics (formerly Invitae), Labcorp
Classification: Uncertain significance. Last evaluated: 2023-06-20. Review status: criteria provided, single submitter. Criteria: Invitae Variant Classification Sherloc (09022015). Collection method: clinical testing. Allele origin: germline.
Comment: In summary, the available evidence is currently insufficient to determine the role of this variant in disease. Therefore, it has been classified as a Variant of Uncertain Significance. This sequence change replaces threonine, which is neutral and polar, with alanine, which is neutral and non-polar, at codon 642 of the NEFH protein (p.Thr642Ala). This variant is present in population databases (no rsID available, gnomAD 0.0009%). This variant has not been reported in the literature in individuals affected with NEFH-related conditions. Advanced modeling of protein sequence and biophysical properties (such as structural, functional, and spatial information, amino acid conservation, physicochemical variation, residue mobility, and thermodynamic stability) performed at Invitae indicates that this missense variant is not expected to disrupt NEFH protein function.

NM_021076.4(NEFH):c.1924A>G (p.Thr642Ala)

Gene: NEFH (neurofilament heavy chain; plus strand). Cytogenetic location: 22q12.2.
Variant type: single nucleotide variant.
Coding change: c.1924A>G on transcript NM_021076.4 (MANE Select); coding-DNA position 1924, A replaced by G.
Protein change: p.Thr642Ala; replaces threonine 642 with alanine.
Molecular consequence: missense variant.
Genome position (GRCh38, 1-based): chr22:29,489,564, A>G. VCF-style: chr22-29489564-A-G. GRCh37 (hg19) VCF-style: chr22-29885553-A-G.
Other names: c.1924A>G (NM_021076.3); short protein forms T642A.
Identifiers: ClinVar variation 2977706 (VCV002977706.4), dbSNP rs1384143215, ClinGen allele CA411132526.